The following is an entry in ClinVar:

NM_030958.3(SLCO5A1):c.2519G>T (p.Ser840Ile)

Gene: SLCO5A1 (solute carrier organic anion transporter family member 5A1; minus strand). Cytogenetic location: 8q13.3.
Variant type: single nucleotide variant.
Coding change: c.2519G>T on transcript NM_030958.3 (MANE Select); coding-DNA position 2519, G replaced by T.
Protein change: p.Ser840Ile; replaces serine 840 with isoleucine.
Molecular consequence: missense variant. On other transcripts: 3 prime UTR variant (1).
Genome position (GRCh38, 1-based): chr8:69,672,897, C>A on the plus strand (G>T on the coding strand, the complement: SLCO5A1 is on the minus strand). VCF-style: chr8-69672897-C-A. GRCh37 (hg19) VCF-style: chr8-70585132-C-A.
Other names: c.*390G>T (NM_001146008.2); c.2354G>T, p.Ser785Ile (NM_001146009.1); short protein forms S785I, S840I.
Identifiers: ClinVar variation 2880463 (VCV002880463.3), dbSNP rs758368836, ClinGen allele CA4776304.
Genomic context (GRCh38, chr8:69,672,897, plus strand): 5'-CCAACAAAACTAAATTCTTCCATTTTCAAGCTTCAGGAGGGCGGCTCCAAGGCAGCGGGG[C>A]TCTCTTCCAGCCCCGGGTCCGCAGAGGAACTTATTGCTTCTGGGAAGGGCCCCGGGTAGG-3'
Protein context (NP_112220.2, residues 830-848): SSSADPGLEE[Ser840Ile]PAALEPPS

ClinVar aggregate classification (germline): Uncertain significance (1 of 4 stars; one submission).

Allele frequency attached by ClinVar (database versions not stated): TOPMed below 0.00001; ExAC 0.00002.
gnomAD v4.1: 5 of 1,613,060 alleles (0.00031%); highest among the groups gnomAD compares: Non-Finnish European, 0.00042%; no homozygotes.

Submission:

Labcorp Genetics (formerly Invitae), Labcorp
Classification: Uncertain significance. Last evaluated: 2023-11-16. Review status: criteria provided, single submitter. Criteria: Invitae Variant Classification Sherloc (09022015). Collection method: clinical testing. Allele origin: germline.
Comment: This sequence change replaces serine, which is neutral and polar, with isoleucine, which is neutral and non-polar, at codon 840 of the SLCO5A1 protein (p.Ser840Ile). This variant is present in population databases (rs758368836, gnomAD 0.002%). This variant has not been reported in the literature in individuals affected with SLCO5A1-related conditions. An algorithm developed to predict the effect of missense changes on protein structure and function (PolyPhen-2) suggests that this variant is likely to be tolerated. In summary, the available evidence is currently insufficient to determine the role of this variant in disease. Therefore, it has been classified as a Variant of Uncertain Significance.